The following is an entry in ClinVar:

ClinVar aggregate classification (germline): Uncertain significance. Review status: criteria provided, multiple submitters, no conflicts (2 of 4 stars). 2 submissions from 2 submitters: Uncertain significance (2). Last evaluated 2023-08-10.

Conditions:
Inborn genetic diseases. Identifiers: MedGen C0950123, MeSH D030342.

Allele frequency attached by ClinVar (database versions not stated): gnomAD exomes below 0.00001 and 0.00001; ExAC 0.00001; gnomAD 0.00001; TOPMed 0.00004.
gnomAD v4.1: 5 of 1,613,976 alleles (0.00031%); highest among the groups gnomAD compares: Non-Finnish European, 0.00042%; no homozygotes.

Submissions (2):

Labcorp Genetics (formerly Invitae), Labcorp
Classification: Uncertain significance. Last evaluated: 2023-08-10. Review status: criteria provided, single submitter. Criteria: Invitae Variant Classification Sherloc (09022015). Collection method: clinical testing. Allele origin: germline.
Comment: In summary, the available evidence is currently insufficient to determine the role of this variant in disease. Therefore, it has been classified as a Variant of Uncertain Significance. An algorithm developed to predict the effect of missense changes on protein structure and function (PolyPhen-2) suggests that this variant is likely to be disruptive. ClinVar contains an entry for this variant (Variation ID: 951390). This variant has not been reported in the literature in individuals affected with SLC25A12-related conditions. This variant is present in population databases (rs78523632, gnomAD 0.002%). This sequence change replaces proline, which is neutral and non-polar, with leucine, which is neutral and non-polar, at codon 670 of the SLC25A12 protein (p.Pro670Leu).

Ambry Genetics
Classification: Uncertain significance for Inborn genetic diseases. Last evaluated: 2022-09-07. Review status: criteria provided, single submitter. Criteria: Ambry Variant Classification Scheme 2023. Collection method: clinical testing. Allele origin: germline.

NM_003705.5(SLC25A12):c.2009C>T (p.Pro670Leu)

Gene: SLC25A12 (solute carrier family 25 member 12; minus strand). Cytogenetic location: 2q31.1.
Variant type: single nucleotide variant.
Coding change: c.2009C>T on transcript NM_003705.5 (MANE Select); coding-DNA position 2009, C replaced by T.
Protein change: p.Pro670Leu; replaces proline 670 with leucine.
Molecular consequence: missense variant. On other transcripts: non-coding transcript variant (1).
Genome position (GRCh38, 1-based): chr2:171,785,302, G>A on the plus strand (C>T on the coding strand, the complement: SLC25A12 is on the minus strand). VCF-style: chr2-171785302-G-A. GRCh37 (hg19) VCF-style: chr2-172641812-G-A.
Other names: c.2009C>T (NM_003705.3); short protein forms P670L.
Identifiers: ClinVar variation 951390 (VCV000951390.6), dbSNP rs78523632, ClinGen allele CA1965988.